The following is an entry in ClinVar:

NM_005359.6(SMAD4):c.117A>G (p.Ala39=)

Gene: SMAD4 (SMAD family member 4; plus strand). Cytogenetic location: 18q21.2.
Variant type: single nucleotide variant.
Coding change: c.117A>G on transcript NM_005359.6 (MANE Select); coding-DNA position 117, A replaced by G.
Protein change: p.Ala39=; no amino-acid change (alanine 39 retained).
Molecular consequence: synonymous variant. On other transcripts: non-coding transcript variant (2).
Genome position (GRCh38, 1-based): chr18:51,047,163, A>G. VCF-style: chr18-51047163-A-G. GRCh37 (hg19) VCF-style: chr18-48573533-A-G.
Other names: c.117A>G, p.Ala39= (NM_001407041.1, NM_001407042.1, NM_001407043.1).
Identifiers: ClinVar variation 2163286 (VCV002163286.8), dbSNP rs777917225, ClinGen allele CA8965727.

ClinVar aggregate classification (germline): Benign/Likely benign. Review status: criteria provided, multiple submitters, no conflicts (2 of 4 stars). 4 submissions from 4 submitters: Benign (1); Likely benign (3). Last evaluated 2026-08-31.

Conditions:
Hereditary cancer-predisposing syndrome. Also called: Tumor predisposition; Hereditary Cancer Syndrome; Hereditary neoplastic syndrome; Neoplastic Syndromes, Hereditary. Identifiers: Orphanet 140162, MedGen C0027672, MeSH D009386, MONDO:0015356.
Juvenile polyposis/hereditary hemorrhagic telangiectasia syndrome (JPHT). Also called: JP/HHT SYNDROME; JUVENILE POLYPOSIS WITH HEREDITARY HEMORRHAGIC TELANGIECTASIA; POLYPOSIS, GENERALIZED JUVENILE, WITH PULMONARY ARTERIOVENOUS MALFORMATION; TELANGIECTASIA, HEREDITARY HEMORRHAGIC, WITH JUVENILE POLYPOSIS COLI; Juvenile Polyposis Syndrome / Hereditary Hemorrhagic Telangiectasia (JPS/HHT). Identifiers: Orphanet 2929, MedGen C1832942, MONDO:0008278, OMIM 175050.
Juvenile polyposis syndrome (JPS). Identifiers: Orphanet 2929, MedGen C0345893, MONDO:0017380, OMIM 174900.
Familial thoracic aortic aneurysm and aortic dissection (TAAD). Also called: Thoracic aortic aneurysms and dissections. Identifiers: Orphanet 91387, MedGen C4707243, MONDO:0019625.

Allele frequency attached by ClinVar (database versions not stated): gnomAD exomes 0.00001; ExAC 0.00001.
gnomAD v4.1: 5 of 1,614,140 alleles (0.00031%); highest among the groups gnomAD compares: South Asian, 0.0055%; no homozygotes.

Submissions (4):

Ambry Genetics
Classification: Likely benign for Hereditary cancer-predisposing syndrome; Familial thoracic aortic aneurysm and aortic dissection. Last evaluated: 2026-08-31. Review status: criteria provided, single submitter. Criteria: Ambry Variant Classification Scheme 2023. Collection method: clinical testing. Allele origin: germline.

Labcorp Genetics (formerly Invitae), Labcorp
Classification: Likely benign for Juvenile polyposis syndrome. Last evaluated: 2025-07-23. Review status: criteria provided, single submitter. Criteria: Invitae Variant Classification Sherloc (09022015). Collection method: clinical testing. Allele origin: germline.

Myriad Genetics, Inc.
Classification: Benign for Juvenile polyposis/hereditary hemorrhagic telangiectasia syndrome. Last evaluated: 2025-03-18. Review status: criteria provided, single submitter. Criteria: Myriad Autosomal Dominant, Autosomal Recessive and X-Linked Classification Criteria (2023). Collection method: clinical testing. Allele origin: unknown.
Comment: This variant is considered benign. This variant is a silent/synonymous amino acid change and it is not expected to impact splicing.

Color Diagnostics, LLC DBA Color Health
Classification: Likely benign for Hereditary cancer-predisposing syndrome. Last evaluated: 2022-10-10. Review status: criteria provided, single submitter. Criteria: ACMG Guidelines, 2015. Collection method: clinical testing. Allele origin: germline.